The following is an entry in ClinVar:

NM_000186.4(CFH):c.2051G>T (p.Cys684Phe)

Gene: CFH (complement factor H; plus strand). Cytogenetic location: 1q31.3.
Variant type: single nucleotide variant.
Coding change: c.2051G>T on transcript NM_000186.4 (MANE Select); coding-DNA position 2051, G replaced by T.
Protein change: p.Cys684Phe; replaces cysteine 684 with phenylalanine.
Molecular consequence: missense variant.
Genome position (GRCh38, 1-based): chr1:196,726,647, G>T. VCF-style: chr1-196726647-G-T. GRCh37 (hg19) VCF-style: chr1-196695777-G-T.
Other names: short protein forms C684F.
Identifiers: ClinVar variation 2047121 (VCV002047121.4), dbSNP rs1669146541, ClinGen allele CA343988344.
Genomic context (GRCh38, chr1:196,726,647, plus strand): 5'-TAATGAAGGGACCTAATAAAATTCAATGTGTTGATGGAGAGTGGACAACTTTACCAGTGT[G>T]TATTGGTAATGTATAAAATATTAATATTTAAACTTGTCAAAACTTTTGTATTTTGTATCT-3'
Protein context (NP_000177.2, residues 674-694): VDGEWTTLPV[Cys684Phe]IVEESTCGDI

ClinVar aggregate classification (germline): Uncertain significance (1 of 4 stars; one submission).

Allele frequency attached by ClinVar (database versions not stated): TOPMed below 0.00001; gnomAD 0.00001.
gnomAD v4.1: 1 of 1,606,626 alleles (0.000062%); highest among the groups gnomAD compares: Non-Finnish European, 0.000085%; no homozygotes.

Submission:

Labcorp Genetics (formerly Invitae), Labcorp
Classification: Uncertain significance. Last evaluated: 2024-11-14. Review status: criteria provided, single submitter. Criteria: Invitae Variant Classification Sherloc (09022015). Collection method: clinical testing. Allele origin: germline.
Comment: This sequence change replaces cysteine, which is neutral and slightly polar, with phenylalanine, which is neutral and non-polar, at codon 684 of the CFH protein (p.Cys684Phe). This variant is not present in population databases (gnomAD no frequency). This variant has not been reported in the literature in individuals affected with CFH-related conditions. ClinVar contains an entry for this variant (Variation ID: 2047121). An algorithm developed to predict the effect of missense changes on protein structure and function (PolyPhen-2) suggests that this variant is likely to be disruptive. In summary, the available evidence is currently insufficient to determine the role of this variant in disease. Therefore, it has been classified as a Variant of Uncertain Significance.